The following is an entry in ClinVar:

NM_000138.5(FBN1):c.4974_4975del (p.Cys1658fs)

Gene: FBN1 (fibrillin 1; minus strand). Cytogenetic location: 15q21.1.
Variant type: Microsatellite.
Coding change: c.4974_4975del on transcript NM_000138.5 (MANE Select); coding-DNA positions 4974 to 4975, 2 bases deleted (TG; older notation c.4974_4975delTG).
Protein change: p.Cys1658fs; shifts the reading frame from cysteine 1658.
Molecular consequence: frameshift variant.
Genome position (GRCh38, 1-based): chr15:48,463,989-48,463,990, CA deleted on the plus strand (TG on the coding strand, the reverse complement: FBN1 is on the minus strand); deleting any 2 consecutive bases within chr15:48,463,989-48,463,992 gives the same sequence; the c. name uses the placement nearest the transcript's 3' end. VCF-style (leftmost placement, unchanged base first): chr15-48463988-CCA-C. GRCh37 (hg19) VCF-style: chr15-48756185-CCA-C.
Other names: c.4974_4975del (NM_000138.4); short protein forms C1658fs.
Identifiers: ClinVar variation 549256 (VCV000549256.18), dbSNP rs1555396858, ClinGen allele CA658824310.

ClinVar aggregate classification (germline): Pathogenic. Review status: criteria provided, single submitter (1 of 4 stars). 2 submissions from 2 submitters: Pathogenic (1). 1 of the submissions does not count toward it. Last evaluated 2021-03-01.

Conditions:
Marfan syndrome (MFS). Also called: Marfan syndrome type 1; Marfan syndrome, classic; Marfan's syndrome; FBN1-Related Marfan Syndrome; MARFAN SYNDROME, TYPE I. Identifiers: Orphanet 284963, Orphanet 558, MedGen C0024796, MONDO:0007947, OMIM 154700.

Submissions (2):

Centre of Medical Genetics, University of Antwerp
Classification: Pathogenic for Marfan syndrome. Last evaluated: 2021-03-01. Review status: criteria provided, single submitter. Criteria: Submitter's publication. Collection method: research. Allele origin: unknown. Affected: yes.
Comment: PM2, PVS1, PP4

Center for Medical Genetics Ghent, University of Ghent
Classification: Pathogenic for Marfan syndrome. Last evaluated: 2017-11-07. Review status: no assertion criteria provided. Collection method: clinical testing. Allele origin: de novo. Affected: yes. Not counted in ClinVar's aggregate classification.